The following is an entry in ClinVar:

ClinVar aggregate classification (germline): Uncertain significance (1 of 4 stars; one submission).

Conditions:
Diamond-Blackfan anemia 10 (DBA10). Also called: RPS26-Related Diamond-Blackfan Anemia. Identifiers: Orphanet 124, MedGen C2750080, MONDO:0013217, OMIM 613309.

Submission:

Victorian Clinical Genetics Services, Murdoch Childrens Research Institute
Classification: Uncertain significance for Diamond-Blackfan anemia 10. Last evaluated: 2024-10-09. Review status: criteria provided, single submitter. Criteria: ACMG Guidelines, 2015. Collection method: clinical testing. Allele origin: germline. Inheritance: Autosomal dominant inheritance. Affected: yes.
Comment: Based on the classification scheme VCGS_Germline_v1.3.4, this variant is classified as VUS-3A. Following criteria are met: 0102 - Loss of function is a known mechanism of disease in this gene and is associated with Diamond-Blackfan anaemia 10 (MIM#613309). (I) 0107 - This gene is associated with autosomal dominant disease. (I) 0212 - Non-canonical splice site variant without proven consequence on splicing (no functional evidence available). This is a deletion of 17 bases within the non-canonical splice region, including the +5 site. (SP) 0251 - This variant is heterozygous. (I) 0301 - Variant is absent from gnomAD (both v2 and v3). (SP) 0508 - In silico predictions for abnormal splicing are conflicting. Abnormal splicing is predicted by in silico tool. Within the deleted region, nucleotides at the +5 and +6 sites are highly conserved, however the other nucleotides have moderate/low conservation. (I) 0705 - No comparable non-canonical splice site variants have previous evidence for pathogenicity. However, c.312+3_c.312+6del has been reported in an individual with Diamond-Blackfan anaemia, craniofacial dysmorphism and cryptorchidism (PMID: 25946618). (I) 0807 - This variant has no previous evidence of pathogenicity. (I) 0906 - Segregation evidence for this variant is inconclusive. (I) 1007 - No published functional evidence has been identified for this variant. (I) 1102 - Strong phenotype match for this individual. (SP) 1208 - Inheritance information for this variant is not currently available in this individual. (I) Legend: (SP) - Supporting pathogenic, (I) - Information, (SB) - Supporting benign

Literature cited by the submitters: PubMed 25946618.

NM_001029.5(RPS26):c.312+5_312+21del

Gene: RPS26 (ribosomal protein S26; plus strand). Cytogenetic location: 12q13.2.
Variant type: Deletion.
Coding change: c.312+5_312+21del on transcript NM_001029.5 (MANE Select); bases 5 to 21 of the intron after coding-DNA position 312, 17 bases deleted (GTATTTTAAAAGGAGAA).
Molecular consequence: intron variant.
Genome position (GRCh38, 1-based): chr12:56,043,498-56,043,514, GTATTTTAAAAGGAGAA deleted; deleting any 17 consecutive bases within chr12:56,043,497-56,043,514 gives the same sequence; the c. name uses the placement nearest the transcript's 3' end. VCF-style (leftmost placement, unchanged base first): chr12-56043496-GAGTATTTTAAAAGGAGA-G. GRCh37 (hg19) VCF-style: chr12-56437280-GAGTATTTTAAAAGGAGA-G.
Identifiers: ClinVar variation 3254826 (VCV003254826.2), dbSNP rs2540723668.